The following is an entry in ClinVar:

NM_002834.5(PTPN11):c.1651G>C (p.Asp551His)

Gene: PTPN11 (protein tyrosine phosphatase non-receptor type 11; plus strand). Cytogenetic location: 12q24.13.
Variant type: single nucleotide variant.
Coding change: c.1651G>C on transcript NM_002834.5 (MANE Select); coding-DNA position 1651, G replaced by C.
Protein change: p.Asp551His; replaces aspartic acid 551 with histidine.
Molecular consequence: missense variant.
Genome position (GRCh38, 1-based): chr12:112,502,195, G>C. VCF-style: chr12-112502195-G-C. GRCh37 (hg19) VCF-style: chr12-112939999-G-C.
Other names: c.1663G>C, p.Asp555His (NM_001330437.2); c.1648G>C, p.Asp550His (NM_001374625.1); short protein forms D551H, D550H, D555H.
Identifiers: ClinVar variation 5027636 (VCV005027636.1).

ClinVar aggregate classification (germline): Uncertain significance (1 of 4 stars; one submission).

Conditions:
Cardiovascular phenotype. Identifiers: MedGen CN230736.

Submission:

Ambry Genetics
Classification: Uncertain significance for Cardiovascular phenotype. Last evaluated: 2026-08-18. Review status: criteria provided, single submitter. Criteria: Ambry Variant Classification Scheme 2023. Collection method: clinical testing. Allele origin: germline.
Comment: The p.D551H variant (also known as c.1651G>C), located in coding exon 14 of the PTPN11 gene, results from a G to C substitution at nucleotide position 1651. The aspartic acid at codon 551 is replaced by histidine, an amino acid with similar properties. This amino acid position is conserved. In addition, this alteration is predicted to be tolerated by in silico analysis. Based on the available evidence, the clinical significance of this variant remains unclear.